The following is an entry in ClinVar:

NM_198578.4(LRRK2):c.582G>C (p.Glu194Asp)

Gene: LRRK2 (leucine rich repeat kinase 2; plus strand). Cytogenetic location: 12q12.
Variant type: single nucleotide variant.
Coding change: c.582G>C on transcript NM_198578.4 (MANE Select); coding-DNA position 582, G replaced by C.
Protein change: p.Glu194Asp; replaces glutamic acid 194 with aspartic acid.
Molecular consequence: missense variant.
Genome position (GRCh38, 1-based): chr12:40,240,493, G>C. VCF-style: chr12-40240493-G-C. GRCh37 (hg19) VCF-style: chr12-40634295-G-C.
Other names: short protein forms E194D.
Identifiers: ClinVar variation 1749959 (VCV001749959.2), dbSNP rs906062859, ClinGen allele CA384404511.

ClinVar aggregate classification (germline): Uncertain significance (1 of 4 stars; one submission).

Conditions:
Inborn genetic diseases. Identifiers: MedGen C0950123, MeSH D030342.

Submission:

Ambry Genetics
Classification: Uncertain significance for Inborn genetic diseases. Last evaluated: 2022-10-11. Review status: criteria provided, single submitter. Criteria: Ambry Variant Classification Scheme 2023. Collection method: clinical testing. Allele origin: germline.
Comment: The p.E194D variant (also known as c.582G>C), located in coding exon 6 of the LRRK2 gene, results from a G to C substitution at nucleotide position 582. The glutamic acid at codon 194 is replaced by aspartic acid, an amino acid with highly similar properties. This amino acid position is conserved. In addition, this alteration is predicted to be tolerated by in silico analysis. Since supporting evidence is limited at this time, the clinical significance of this alteration remains unclear.